The following continues an entry in ClinVar:

NM_000277.3(PAH):c.728G>A (p.Arg243Gln)

Gene: PAH. ClinVar aggregate classification (germline): Pathogenic/Likely pathogenic. Pathogenic (15); Likely pathogenic (2).

Submissions 17 to 23 of 23:

Juno Genomics, Hangzhou Juno Genomics, Inc
Classification: Pathogenic for Phenylketonuria. Review status: criteria provided, single submitter. Criteria: ACMG Guidelines, 2015. Collection method: clinical testing. Allele origin: germline.
Comment: Well-established in vitro or in vivo functional studies supportive of a damaging effect on the gene or gene product.;For recessive disorders, detected in trans with a pathogenic variant.;Patient's phenotype or family history is highly specific for a disease with a single genetic etiology.

PreventionGenetics, part of Exact Sciences
Classification: Pathogenic for PAH-related condition. Last evaluated: 2024-06-03. Review status: no assertion criteria provided. Collection method: clinical testing. Allele origin: germline. Not counted in ClinVar's aggregate classification.
Comment: The PAH c.728G>A variant is predicted to result in the amino acid substitution p.Arg243Gln. This variant has been reported in the homozygous and compound heterozygous states in multiple individuals with phenylketonuria (Couce et al. 2013. PubMed ID: 23500595; Table 2, Ghanei et al. 2023. PubMed ID: 36646061) and is one of the most common pathogenic PAH variants in the Chinese population (see for example, Lee et al. 2004. PubMed ID: 15503242; Song et al. 2005. PubMed ID: 16256386; Liang et al. 2014. PubMed ID: 24401910). This variant is reported in 0.038% of alleles in individuals of East Asian decent in gnomAD. In vitro experimental studies suggest this variant reduces enzyme activity to ~10-20% of control (Table 1, Shi et al. 2012. PubMed ID: 21953985; Couce et al. 2013. PubMed ID: 23500595; Liang et al. 2014. PubMed ID: 24401910). This variant is classified as pathogenic and likely pathogenic in ClinVar by multiple outside laboratories. Taken together, we classify this variant as pathogenic.

Counsyl
Classification: Pathogenic for Phenylketonuria. Last evaluated: 2016-01-22. Review status: no assertion criteria provided. Collection method: clinical testing. Allele origin: unknown. Not counted in ClinVar's aggregate classification.

OMIM
Classification: Pathogenic for PHENYLKETONURIA. Last evaluated: 1992-05-01. Review status: no assertion criteria provided. Collection method: literature only. Allele origin: germline. Not counted in ClinVar's aggregate classification.

Biochemistry Laboratory of CDMU, Chengde Medical University
Classification: Pathogenic for Phenylketonuria. Review status: no assertion criteria provided. Criteria: ACMG Guidelines, 2015. Collection method: case-control. Allele origin: inherited. Affected: yes. Not counted in ClinVar's aggregate classification.

DeBelle Laboratory for Biochemical Genetics, MUHC/MCH RESEARCH INSTITUTE
No classification provided. Review status: no classification provided. Collection method: not provided. Allele origin: not provided. Not counted in ClinVar's aggregate classification.

Neonatal Disease Screening Center, Medical Genetics Center, Huaihua City Maternal and Child Health Care Hospital
Classification: Pathogenic for Phenylketonuria. Review status: no assertion criteria provided. Criteria: ACMG Guidelines, 2015. Collection method: clinical testing. Allele origin: germline. Affected: yes. Observed: 5 variant alleles. Not counted in ClinVar's aggregate classification.
Comment: PS3+PM3_VS+PP1_S+PP3+PP4_M

Literature cited by the submitters: PubMed 2071149 (cited by 5 submitters); PubMed 23716935 (cited by Labcorp Genetics (formerly Invitae), Labcorp and Quest Diagnostics Nichols Institute San Juan Capistrano); PubMed 24401910 (cited by 5 submitters); PubMed 24705691 (cited by Labcorp Genetics (formerly Invitae), Labcorp and Quest Diagnostics Nichols Institute San Juan Capistrano); PubMed 27264808 (cited by Labcorp Genetics (formerly Invitae), Labcorp); PubMed 12655546 (cited by 3 submitters); PubMed 21953985 (cited by 3 submitters); PubMed 23500595 (cited by 4 submitters); PubMed 30050108 (cited by Natera, Inc.); PubMed 26351554 (cited by Cellular and Molecular Research Center, Cellular and Molecular Medicine Research Institute,, Urmia University of Medical Sciences); PubMed 29499199 (cited by Dasa and Quest Diagnostics Nichols Institute San Juan Capistrano); PubMed 28676969 (cited by Dasa and Quest Diagnostics Nichols Institute San Juan Capistrano); PubMed 14722928 (cited by Dasa and Counsyl); PubMed 29317692 (cited by Quest Diagnostics Nichols Institute San Juan Capistrano); PubMed 28851938 (cited by Quest Diagnostics Nichols Institute San Juan Capistrano); PubMed 17935162 (cited by 3 submitters); PubMed 23932990 (cited by Women's Health and Genetics/Laboratory Corporation of America, LabCorp); PubMed 25750018 (cited by Ambry Genetics); PubMed 11581453 (cited by Ambry Genetics); PubMed 8051931 (cited by Counsyl); PubMed 9429153 (cited by Counsyl); PubMed 12409276 (cited by Counsyl); PubMed 9860305 (cited by Counsyl); PubMed 24048906 (cited by Counsyl); PubMed 15503242 (cited by Counsyl); PubMed 10408782 (cited by Counsyl); PubMed 15793771 (cited by Counsyl); PubMed 19147918 (cited by Counsyl); PubMed 11180595 (cited by Counsyl); PubMed 1349576 (cited by OMIM).